The following is an entry in ClinVar:

NM_002471.4(MYH6):c.4525G>T (p.Glu1509Ter)

Gene: MYH6 (myosin heavy chain 6; minus strand). Cytogenetic location: 14q11.2.
Variant type: single nucleotide variant.
Coding change: c.4525G>T on transcript NM_002471.4 (MANE Select); coding-DNA position 4525, G replaced by T.
Protein change: p.Glu1509Ter; replaces glutamic acid 1509 with a stop codon.
Molecular consequence: nonsense.
Genome position (GRCh38, 1-based): chr14:23,387,758, C>A on the plus strand (G>T on the coding strand, the complement: MYH6 is on the minus strand). VCF-style: chr14-23387758-C-A. GRCh37 (hg19) VCF-style: chr14-23856967-C-A.
Other names: short protein forms E1509*.
Identifiers: ClinVar variation 641122 (VCV000641122.10), dbSNP rs200380187, ClinGen allele CA7114743.

ClinVar aggregate classification (germline): Uncertain significance. Review status: criteria provided, multiple submitters, no conflicts (2 of 4 stars). 2 submissions from 2 submitters: Uncertain significance (2). Last evaluated 2025-11-06.

Conditions:
Cardiovascular phenotype. Identifiers: MedGen CN230736.
Hypertrophic cardiomyopathy 14. Identifiers: MedGen C2750467, MONDO:0013197, OMIM 613251.

Allele frequency attached by ClinVar (database versions not stated): gnomAD exomes below 0.00001 and 0.00001; ExAC 0.00001; gnomAD 0.00001 and 0.00002; 1000 Genomes Project 30x 0.00016; 1000 Genomes Project 0.00020.
gnomAD v4.1: 11 of 1,614,096 alleles (0.00068%); highest among the groups gnomAD compares: Admixed American, 0.015%; no homozygotes.

Submissions (2):

Ambry Genetics
Classification: Uncertain significance for Cardiovascular phenotype. Last evaluated: 2025-11-06. Review status: criteria provided, single submitter. Criteria: Ambry Variant Classification Scheme 2023. Collection method: clinical testing. Allele origin: germline.
Comment: The p.E1509* variant (also known as c.4525G>T), located in coding exon 29 of the MYH6 gene, results from a G to T substitution at nucleotide position 4525. This changes the amino acid from a glutamic acid to a stop codon within coding exon 29. In silico splice site analysis predicts that this alteration may weaken the native splice donor site and will result in the creation or strengthening of a novel splice donor site. This alteration is expected to result in protein truncation or nonsense-mediated mRNA decay. However, loss of function has not been established as a mechanism of disease. Based on the available evidence, the clinical significance of this alteration remains unclear.

Labcorp Genetics (formerly Invitae), Labcorp
Classification: Uncertain significance for Hypertrophic cardiomyopathy 14. Last evaluated: 2025-03-17. Review status: criteria provided, single submitter. Criteria: Invitae Variant Classification Sherloc (09022015). Collection method: clinical testing. Allele origin: germline.
Comment: This sequence change creates a premature translational stop signal (p.Glu1509*) in the MYH6 gene. It is expected to result in an absent or disrupted protein product. However, the current clinical and genetic evidence is not sufficient to establish whether loss-of-function variants in MYH6 cause disease. This variant is present in population databases (rs200380187, gnomAD 0.006%). This variant has not been reported in the literature in individuals affected with MYH6-related conditions. ClinVar contains an entry for this variant (Variation ID: 641122). Algorithms developed to predict the effect of sequence changes on RNA splicing suggest that this variant may disrupt the consensus splice site. In summary, the available evidence is currently insufficient to determine the role of this variant in disease. Therefore, it has been classified as a Variant of Uncertain Significance.